The following is an entry in ClinVar:

NM_004415.4(DSP):c.3084+28G>A

Gene: DSP (desmoplakin; plus strand). Cytogenetic location: 6p24.3.
Variant type: single nucleotide variant.
Coding change: c.3084+28G>A on transcript NM_004415.4 (MANE Select); 28 bases into the intron after coding-DNA position 3084, G replaced by A.
Molecular consequence: intron variant.
Genome position (GRCh38, 1-based): chr6:7,578,590, G>A. VCF-style: chr6-7578590-G-A. GRCh37 (hg19) VCF-style: chr6-7578823-G-A.
Other names: c.3084+28G>A (LRG_423t1, NM_004415.3, NM_001319034.2 and 1 more transcripts).
Identifiers: ClinVar variation 259384 (VCV000259384.6), dbSNP rs2842691, ClinGen allele CA036914.

ClinVar aggregate classification (germline): Benign. Review status: criteria provided, multiple submitters, no conflicts (2 of 4 stars). 8 submissions from 4 submitters: Benign (8). Last evaluated 2026-09-21.

Conditions:
Keratosis palmoplantaris striata 2. Also called: Keratosis palmoplantaris striata II; KERATODERMA, PALMOPLANTAR, STRIATE FORM II; STRIATE PALMOPLANTAR KERATODERMA II. Identifiers: MedGen C1852127, MONDO:0013034, OMIM 612908.
Cardiomyopathy, dilated, with wooly hair, keratoderma, and tooth agenesis. Also called: Erythrokeratodermia-cardiomyopathy syndrome; Cardiomyopathy, dilated, with woolly hair, keratoderma, and tooth agenesis. Identifiers: Orphanet 476096, Orphanet 65282, MedGen C4014393, MONDO:0014355, OMIM 615821.
Woolly hair-skin fragility syndrome (WHSF). Identifiers: Orphanet 293165, MedGen C1843292, MONDO:0957307, OMIM 620415.
Lethal acantholytic epidermolysis bullosa (EBLA). Identifiers: Orphanet 158687, MedGen C1864826, MONDO:0012323, OMIM 609638.
Arrhythmogenic cardiomyopathy with wooly hair and keratoderma. Also called: Arrhythmogenic cardiomyopathy with woolly hair and keratoderma; PALMOPLANTAR KERATODERMA WITH LEFT VENTRICULAR CARDIOMYOPATHY AND WOOLLY HAIR; Dilated cardiomyopathy with woolly hair and keratoderma; Carvajal syndrome. Identifiers: Orphanet 65282, MedGen C1854063, MONDO:0011581, OMIM 605676.

Allele frequency attached by ClinVar (database versions not stated): TOPMed 0.78095; 1000 Genomes Project 0.76438; gnomAD 0.77310 and 0.77273; gnomAD exomes 0.78123 and 0.78918; 1000 Genomes Project 30x 0.76374; ESP Exome Variant Server 0.77833; ExAC 0.77988.
gnomAD v4.1: 1,218,868 of 1,547,294 alleles (79%); highest among the groups gnomAD compares: East Asian, 81%; 481,016 homozygotes.

Submissions (8):

Molecular Diagnostic Laboratory for Inherited Cardiovascular Disease, Montreal Heart Institute
Classification: Benign. Last evaluated: 2026-09-21. Review status: criteria provided, single submitter. Criteria: ACMG Guidelines, 2015. Collection method: clinical testing. Allele origin: germline. Affected: no.

Genome-Nilou Lab
Classification: Benign for Arrhythmogenic cardiomyopathy with wooly hair and keratoderma. Last evaluated: 2021-07-30. Review status: criteria provided, single submitter. Criteria: ACMG Guidelines, 2015. Collection method: clinical testing. Allele origin: germline. Affected: no.

Genome-Nilou Lab
Classification: Benign for Cardiomyopathy, dilated, with wooly hair, keratoderma, and tooth agenesis. Last evaluated: 2021-07-30. Review status: criteria provided, single submitter. Criteria: ACMG Guidelines, 2015. Collection method: clinical testing. Allele origin: germline. Affected: no.

Genome-Nilou Lab
Classification: Benign for Lethal acantholytic epidermolysis bullosa. Last evaluated: 2021-07-30. Review status: criteria provided, single submitter. Criteria: ACMG Guidelines, 2015. Collection method: clinical testing. Allele origin: germline. Affected: no.

Genome-Nilou Lab
Classification: Benign for Keratosis palmoplantaris striata 2. Last evaluated: 2021-07-30. Review status: criteria provided, single submitter. Criteria: ACMG Guidelines, 2015. Collection method: clinical testing. Allele origin: germline. Affected: no.

Genome-Nilou Lab
Classification: Benign for Arrhythmogenic cardiomyopathy with wooly hair and keratoderma. Last evaluated: 2021-07-30. Review status: criteria provided, single submitter. Criteria: ACMG Guidelines, 2015. Collection method: clinical testing. Allele origin: germline. Affected: no.

GeneDx
Classification: Benign. Last evaluated: 2018-06-13. Review status: criteria provided, single submitter. Criteria: GeneDx Variant Classification (06012015). Collection method: clinical testing. Allele origin: germline. Affected: yes.
Comment: This variant is considered likely benign or benign based on one or more of the following criteria: it is a conservative change, it occurs at a poorly conserved position in the protein, it is predicted to be benign by multiple in silico algorithms, and/or has population frequency not consistent with disease.

PreventionGenetics, part of Exact Sciences
Classification: Benign. Review status: criteria provided, single submitter. Criteria: ACMG Guidelines, 2015. Collection method: clinical testing. Allele origin: germline.